The following is an entry in ClinVar:

ClinVar aggregate classification (germline): Uncertain significance. Review status: criteria provided, multiple submitters, no conflicts (2 of 4 stars). 2 submissions from 2 submitters: Uncertain significance (2). Last evaluated 2026-01-19.

Conditions:
Rhabdoid tumor predisposition syndrome 2 (RTPS2). Identifiers: Orphanet 231108, Orphanet 69077, MedGen C2750074, MONDO:0013224, OMIM 613325.
Hereditary cancer-predisposing syndrome. Also called: Neoplastic Syndromes, Hereditary; Hereditary Cancer Syndrome; Tumor predisposition; Hereditary neoplastic syndrome. Identifiers: Orphanet 140162, MedGen C0027672, MeSH D009386, MONDO:0015356.

Submissions (2):

Labcorp Genetics (formerly Invitae), Labcorp
Classification: Uncertain significance for Rhabdoid tumor predisposition syndrome 2. Last evaluated: 2026-01-19. Review status: criteria provided, single submitter. Criteria: Invitae Variant Classification Sherloc (09022015). Collection method: clinical testing. Allele origin: germline.
Comment: This sequence change replaces lysine, which is basic and polar, with methionine, which is neutral and non-polar, at codon 824 of the SMARCA4 protein (p.Lys824Met). This variant is not present in population databases (gnomAD no frequency). This variant has not been reported in the literature in individuals affected with SMARCA4-related conditions. ClinVar contains an entry for this variant (Variation ID: 946230). Invitae Evidence Modeling of protein sequence and biophysical properties (such as structural, functional, and spatial information, amino acid conservation, physicochemical variation, residue mobility, and thermodynamic stability) indicates that this missense variant is expected to disrupt SMARCA4 protein function with a positive predictive value of 95%. In summary, the available evidence is currently insufficient to determine the role of this variant in disease. Therefore, it has been classified as a Variant of Uncertain Significance.

Ambry Genetics
Classification: Uncertain significance for Hereditary cancer-predisposing syndrome. Last evaluated: 2017-08-01. Review status: criteria provided, single submitter. Criteria: Ambry Variant Classification Scheme 2023. Collection method: clinical testing. Allele origin: germline.
Comment: The p.K824M variant (also known as c.2471A>T), located in coding exon 16 of the SMARCA4 gene, results from an A to T substitution at nucleotide position 2471. The lysine at codon 824 is replaced by methionine, an amino acid with similar properties. This amino acid position is highly conserved in available vertebrate species. In addition, this alteration is predicted to be deleterious by in silico analysis. Since supporting evidence is limited at this time, the clinical significance of this alteration remains unclear.

NM_003072.5(SMARCA4):c.2471A>T (p.Lys824Met)

Gene: SMARCA4 (SWI/SNF related BAF chromatin remodeling complex subunit ATPase 4; plus strand). Cytogenetic location: 19p13.2.
Variant type: single nucleotide variant.
Coding change: c.2471A>T on transcript NM_003072.5 (MANE Select); coding-DNA position 2471, A replaced by T.
Protein change: p.Lys824Met; replaces lysine 824 with methionine.
Molecular consequence: missense variant. On other transcripts: non-coding transcript variant (1).
Genome position (GRCh38, 1-based): chr19:11,018,989, A>T. VCF-style: chr19-11018989-A-T. GRCh37 (hg19) VCF-style: chr19-11129665-A-T.
Other names: c.2471A>T, p.Lys824Met (NM_001128844.3, NM_001128845.2, NM_001128846.2 and 4 more transcripts); short protein forms K824M.
Identifiers: ClinVar variation 946230 (VCV000946230.12), dbSNP rs2089622665, ClinGen allele CA404053629.